The following is an entry in ClinVar:

ClinVar aggregate classification (germline): Uncertain significance (1 of 4 stars; one submission).

Conditions:
Emery-Dreifuss muscular dystrophy 5, autosomal dominant (EDMD5). Also called: EMERY-DREIFUSS MUSCULAR DYSTROPHY 5. Identifiers: Orphanet 261, MedGen C2751805, MONDO:0013072, OMIM 612999.

Submission:

Labcorp Genetics (formerly Invitae), Labcorp
Classification: Uncertain significance for Emery-Dreifuss muscular dystrophy 5, autosomal dominant. Last evaluated: 2024-12-24. Review status: criteria provided, single submitter. Criteria: Invitae Variant Classification Sherloc (09022015). Collection method: clinical testing. Allele origin: germline.
Comment: This sequence change creates a premature translational stop signal (p.Ser1865Ilefs*17) in the SYNE2 gene. It is expected to result in an absent or disrupted protein product. However, the current clinical and genetic evidence is not sufficient to establish whether loss-of-function variants in SYNE2 cause disease. This variant is not present in population databases (gnomAD no frequency). This variant has not been reported in the literature in individuals affected with SYNE2-related conditions. In summary, the available evidence is currently insufficient to determine the role of this variant in disease. Therefore, it has been classified as a Variant of Uncertain Significance.

NM_182914.3(SYNE2):c.5589_5592dup (p.Ser1865fs)

Gene: SYNE2 (spectrin repeat containing nuclear envelope protein 2; plus strand). Cytogenetic location: 14q23.2.
Variant type: Duplication.
Coding change: c.5589_5592dup on transcript NM_182914.3 (MANE Select); coding-DNA positions 5589 to 5592, 4 bases duplicated (ATCA; older notation c.5589_5592dupATCA).
Protein change: p.Ser1865fs; shifts the reading frame from serine 1865.
Molecular consequence: frameshift variant.
Genome position (GRCh38, 1-based): chr14:64,022,815-64,022,818, ATCA duplicated; duplicating any 4 consecutive bases within chr14:64,022,814-64,022,818 gives the same sequence; the c. name uses the placement nearest the transcript's 3' end. VCF-style (leftmost placement, unchanged base first): chr14-64022813-G-GAATC. GRCh37 (hg19) VCF-style: chr14-64489531-G-GAATC.
Other names: c.5589_5592dup, p.Ser1865fs (NM_015180.6); short protein forms S1865fs.
Identifiers: ClinVar variation 3672360 (VCV003672360.2).